The following is an entry in ClinVar:

NM_001350162.2(TEX15):c.4945G>A (p.Val1649Ile)

Gene: TEX15 (testis expressed 15, meiosis and synapsis associated; minus strand). Cytogenetic location: 8p12.
Variant type: single nucleotide variant.
Coding change: c.4945G>A on transcript NM_001350162.2 (MANE Select); coding-DNA position 4945, G replaced by A.
Protein change: p.Val1649Ile; replaces valine 1649 with isoleucine.
Molecular consequence: missense variant.
Genome position (GRCh38, 1-based): chr8:30,845,222, C>T on the plus strand (G>A on the coding strand, the complement: TEX15 is on the minus strand). VCF-style: chr8-30845222-C-T. GRCh37 (hg19) VCF-style: chr8-30702738-C-T.
Other names: c.3796G>A (NM_031271.3); short protein forms V1649I.
Identifiers: ClinVar variation 712060 (VCV000712060.28), dbSNP rs76147771, ClinGen allele CA4702938.

ClinVar aggregate classification (germline): Conflicting classifications of pathogenicity. Review status: criteria provided, conflicting classifications (1 of 4 stars). 5 submissions from 5 submitters: Uncertain significance (1); Likely benign (4). Last evaluated 2025-09-03.

Conditions:
TEX15-related disorder. Also called: TEX15-related condition.
Spermatogenic failure 25. Identifiers: MedGen C4693765, MONDO:0054729, OMIM 617960.

Allele frequency attached by ClinVar (database versions not stated): 1000 Genomes Project 0.00180; 1000 Genomes Project 30x 0.00203; gnomAD 0.00246 and 0.00252; TOPMed 0.00246; ESP Exome Variant Server 0.00269.
gnomAD v4.1: 4,774 of 1,613,438 alleles (0.3%); highest among the groups gnomAD compares: Non-Finnish European, 0.36%; 4 homozygotes.

Submissions (5):

PreventionGenetics, part of Exact Sciences
Classification: Likely benign for TEX15-related condition. Last evaluated: 2025-09-03. Review status: criteria provided, single submitter. Criteria: ACMG Guidelines, 2015. Collection method: clinical testing. Allele origin: germline.
Comment: This variant is classified as likely benign based on ACMG/AMP sequence variant interpretation guidelines (Richards et al. 2015 PMID: 25741868, with internal and published modifications).

CeGaT Center for Human Genetics Tuebingen
Classification: Likely benign. Last evaluated: 2025-09-01. Review status: criteria provided, single submitter. Criteria: CeGaT Center For Human Genetics Tuebingen Variant Classification Criteria Version 2. Collection method: clinical testing. Allele origin: germline. Affected: yes. Observed: 2 variant alleles.
Comment: TEX15: BP4, BS2

Blueprint Genetics
Classification: Likely benign. Last evaluated: 2024-11-26. Review status: criteria provided, single submitter. Criteria: ACMG Guidelines, 2015. Collection method: clinical testing. Allele origin: germline.

Yatsenko Laboratory, Magee-Womens Research Institute, University of Pittsburgh
Classification: Uncertain significance for Spermatogenic failure 25. Last evaluated: 2022-12-30. Review status: criteria provided, single submitter. Criteria: ACMG Guidelines, 2015. Collection method: research. Allele origin: unknown. Affected: yes. Observed: 2 variant alleles.

Labcorp Genetics (formerly Invitae), Labcorp
Classification: Likely benign. Last evaluated: 2018-06-06. Review status: criteria provided, single submitter. Criteria: Invitae Variant Classification Sherloc (09022015). Collection method: clinical testing. Allele origin: germline.